The following is an entry in ClinVar:

NM_000095.3(COMP):c.955del (p.Asp319fs)

Gene: COMP (cartilage oligomeric matrix protein; minus strand). Cytogenetic location: 19p13.11.
Variant type: Deletion.
Coding change: c.955del on transcript NM_000095.3 (MANE Select); coding-DNA position 955, one base deleted (G; older notation c.955delG).
Protein change: p.Asp319fs; shifts the reading frame from aspartic acid 319.
Molecular consequence: frameshift variant.
Genome position (GRCh38, 1-based): chr19:18,788,232, C deleted on the plus strand (G on the coding strand, the reverse complement: COMP is on the minus strand); the first of 4 consecutive C bases (chr19:18,788,232-18,788,235); deleting any one gives the same sequence. VCF-style (leftmost placement, unchanged base first): chr19-18788231-TC-T. GRCh37 (hg19) VCF-style: chr19-18899040-TC-T.
Other names: short protein forms D319fs.
Identifiers: ClinVar variation 2109705 (VCV002109705.4), dbSNP rs2512851428, ClinGen allele CA2580096752.
Genomic context (GRCh38, chr19:18,788,231, plus strand): 5'-GGATTACAGGAGTGAACCACCGTGCCGAGCCGTAGATCTACCTTTTCATTGGGGACCCCG[TC>T]CCCGTCGGCATCCGGATCGCAGGCGTCTCCGATGCCATCGCGGTCCACATCCTCCTGCCC-3'

ClinVar aggregate classification (germline): Uncertain significance (1 of 4 stars; one submission).

Submission:

Labcorp Genetics (formerly Invitae), Labcorp
Classification: Uncertain significance. Last evaluated: 2022-03-15. Review status: criteria provided, single submitter. Criteria: Invitae Variant Classification Sherloc (09022015). Collection method: clinical testing. Allele origin: germline.
Comment: In summary, the available evidence is currently insufficient to determine the role of this variant in disease. Therefore, it has been classified as a Variant of Uncertain Significance. This variant has not been reported in the literature in individuals affected with COMP-related conditions. This variant is not present in population databases (gnomAD no frequency). This sequence change creates a premature translational stop signal (p.Asp319Thrfs*85) in the COMP gene. It is expected to result in an absent or disrupted protein product. However, the current clinical and genetic evidence is not sufficient to establish whether loss-of-function variants in COMP cause disease.